The following is an entry in ClinVar:

NM_005515.4(MNX1):c.314G>C (p.Gly105Ala)

Gene: MNX1 (motor neuron and pancreas homeobox 1; minus strand). Cytogenetic location: 7q36.3.
Variant type: single nucleotide variant.
Coding change: c.314G>C on transcript NM_005515.4 (MANE Select); coding-DNA position 314, G replaced by C.
Protein change: p.Gly105Ala; replaces glycine 105 with alanine.
Molecular consequence: missense variant.
Genome position (GRCh38, 1-based): chr7:157,010,037, C>G on the plus strand (G>C on the coding strand, the complement: MNX1 is on the minus strand). VCF-style: chr7-157010037-C-G. GRCh37 (hg19) VCF-style: chr7-156802731-C-G.
Other names: short protein forms G105A.
Identifiers: ClinVar variation 3628826 (VCV003628826.2).

ClinVar aggregate classification (germline): Uncertain significance (1 of 4 stars; one submission).

Submission:

Labcorp Genetics (formerly Invitae), Labcorp
Classification: Uncertain significance. Last evaluated: 2024-05-29. Review status: criteria provided, single submitter. Criteria: Invitae Variant Classification Sherloc (09022015). Collection method: clinical testing. Allele origin: germline.
Comment: This sequence change replaces glycine, which is neutral and non-polar, with alanine, which is neutral and non-polar, at codon 105 of the MNX1 protein (p.Gly105Ala). The frequency data for this variant in the population databases is considered unreliable, as metrics indicate insufficient coverage at this position in the gnomAD database. This variant has not been reported in the literature in individuals affected with MNX1-related conditions. Advanced modeling of protein sequence and biophysical properties (such as structural, functional, and spatial information, amino acid conservation, physicochemical variation, residue mobility, and thermodynamic stability) performed at Invitae indicates that this missense variant is not expected to disrupt MNX1 protein function with a negative predictive value of 80%. In summary, the available evidence is currently insufficient to determine the role of this variant in disease. Therefore, it has been classified as a Variant of Uncertain Significance.